The following is an entry in ClinVar:

ClinVar aggregate classification (germline): Uncertain significance (1 of 4 stars; one submission).

Submission:

Labcorp Genetics (formerly Invitae), Labcorp
Classification: Uncertain significance. Last evaluated: 2022-03-26. Review status: criteria provided, single submitter. Criteria: Invitae Variant Classification Sherloc (09022015). Collection method: clinical testing. Allele origin: germline.
Comment: This sequence change replaces phenylalanine, which is neutral and non-polar, with leucine, which is neutral and non-polar, at codon 189 of the CAPN5 protein (p.Phe189Leu). In summary, the available evidence is currently insufficient to determine the role of this variant in disease. Therefore, it has been classified as a Variant of Uncertain Significance. Algorithms developed to predict the effect of missense changes on protein structure and function are either unavailable or do not agree on the potential impact of this missense change (SIFT: "Deleterious"; PolyPhen-2: "Probably Damaging"; Align-GVGD: "Class C0"). This variant has not been reported in the literature in individuals affected with CAPN5-related conditions. This variant is not present in population databases (gnomAD no frequency).

NM_004055.5(CAPN5):c.565T>C (p.Phe189Leu)

Gene: CAPN5 (calpain 5; plus strand). Cytogenetic location: 11q13.5.
Variant type: single nucleotide variant.
Coding change: c.565T>C on transcript NM_004055.5 (MANE Select); coding-DNA position 565, T replaced by C.
Protein change: p.Phe189Leu; replaces phenylalanine 189 with leucine.
Molecular consequence: missense variant.
Genome position (GRCh38, 1-based): chr11:77,114,300, T>C. VCF-style: chr11-77114300-T-C. GRCh37 (hg19) VCF-style: chr11-76825346-T-C.
Other names: short protein forms F189L.
Identifiers: ClinVar variation 2117002 (VCV002117002.4), dbSNP rs2496283704, ClinGen allele CA381937827.